The following is an entry in ClinVar:

NM_004184.4(WARS1):c.1231G>A (p.Asp411Asn)

Gene: WARS1 (tryptophanyl-tRNA synthetase 1; minus strand). Cytogenetic location: 14q32.2.
Variant type: single nucleotide variant.
Coding change: c.1231G>A on transcript NM_004184.4 (MANE Select); coding-DNA position 1231, G replaced by A.
Protein change: p.Asp411Asn; replaces aspartic acid 411 with asparagine.
Molecular consequence: missense variant.
Genome position (GRCh38, 1-based): chr14:100,337,085, C>T on the plus strand (G>A on the coding strand, the complement: WARS1 is on the minus strand). VCF-style: chr14-100337085-C-T. GRCh37 (hg19) VCF-style: chr14-100803422-C-T.
Other names: p.Asp411Asn; c.1231G>A, p.Asp411Asn (NM_173701.2); c.1108G>A, p.Asp370Asn (NM_213645.2, NM_213646.2); short protein forms D411N, D370N.
Identifiers: ClinVar variation 3189489 (VCV003189489.14), dbSNP rs150963629, ClinGen allele CA7345055.

ClinVar aggregate classification (germline): Conflicting classifications of pathogenicity. Review status: criteria provided, conflicting classifications (1 of 4 stars). 5 submissions from 5 submitters: Uncertain significance (1); Likely benign (4). Last evaluated 2026-08-21.

Conditions:
WARS1-related disorder. Also called: WARS1-related condition.
Inborn genetic diseases. Identifiers: MedGen C0950123, MeSH D030342.

Allele frequency attached by ClinVar (database versions not stated): ExAC 0.00040; TOPMed 0.00046; gnomAD 0.00048; ESP Exome Variant Server 0.00069; gnomAD exomes 0.00103.
gnomAD v4.1: 1,540 of 1,613,904 alleles (0.095%); highest among the groups gnomAD compares: Non-Finnish European, 0.12%; 2 homozygotes.

Submissions (5):

PreventionGenetics, part of Exact Sciences
Classification: Likely benign for WARS1-related condition. Last evaluated: 2026-08-21. Review status: criteria provided, single submitter. Criteria: ACMG Guidelines, 2015. Collection method: clinical testing. Allele origin: germline.
Comment: This variant is classified as likely benign based on ACMG/AMP sequence variant interpretation guidelines (Richards et al. 2015 PMID: 25741868, with internal and published modifications).

Women's Health and Genetics/Laboratory Corporation of America, LabCorp
Classification: Likely benign. Last evaluated: 2026-05-05. Review status: criteria provided, single submitter. Criteria: LabCorp Variant Classification Summary - May 2015. Collection method: clinical testing. Allele origin: germline.
Comment: Variant summary: WARS1 c.1231G>A (p.Asp411Asn) results in a conservative amino acid change in the encoded protein sequence. Algorithms developed to predict the effect of missense changes on protein structure and function are either unavailable or do not agree on the potential impact of this missense change. The variant allele was found at a frequency of 0.00095 in 1613904 control chromosomes, predominantly at a frequency of 0.0012 within the Non-Finnish European subpopulation in the gnomAD database, including 2 homozygotes. The observed variant frequency within Non-Finnish European control individuals in the gnomAD database exceeds the estimated maximal expected allele frequency for disease-causing variants in WARS1. To our knowledge, no occurrence of c.1231G>A in individuals affected with WARS1-related conditions and no experimental evidence demonstrating its impact on protein function have been reported. ClinVar contains an entry for this variant (Variation ID: 3189489). Based on the evidence outlined above, the variant was classified as likely benign.

Mayo Clinic Laboratories, Mayo Clinic
Classification: Likely benign. Last evaluated: 2025-08-07. Review status: criteria provided, single submitter. Criteria: ACMG Guidelines, 2015. Collection method: clinical testing. Allele origin: germline. Observed: 1 variant allele.
Comment: BS1, BP4_moderate

CeGaT Center for Human Genetics Tuebingen
Classification: Likely benign. Last evaluated: 2025-06-01. Review status: criteria provided, single submitter. Criteria: CeGaT Center For Human Genetics Tuebingen Variant Classification Criteria Version 2. Collection method: clinical testing. Allele origin: germline. Affected: yes. Observed: 1 variant allele.
Comment: WARS1: BP4

Ambry Genetics
Classification: Uncertain significance for Inborn genetic diseases. Last evaluated: 2021-07-06. Review status: criteria provided, single submitter. Criteria: Ambry Variant Classification Scheme 2023. Collection method: clinical testing. Allele origin: germline.